The following is an entry in ClinVar:

ClinVar aggregate classification (germline): Uncertain significance (1 of 4 stars; one submission).

Submission:

Labcorp Genetics (formerly Invitae), Labcorp
Classification: Uncertain significance. Last evaluated: 2023-05-01. Review status: criteria provided, single submitter. Criteria: Invitae Variant Classification Sherloc (09022015). Collection method: clinical testing. Allele origin: germline.
Comment: In summary, the available evidence is currently insufficient to determine the role of this variant in disease. Therefore, it has been classified as a Variant of Uncertain Significance. Variants that disrupt the consensus splice site are a relatively common cause of aberrant splicing (PMID: 17576681, 9536098). Algorithms developed to predict the effect of sequence changes on RNA splicing suggest that this variant may create or strengthen a splice site. This variant has not been reported in the literature in individuals affected with POLE-related conditions. This variant is not present in population databases (gnomAD no frequency). This sequence change falls in intron 1 of the POLE gene. It does not directly change the encoded amino acid sequence of the POLE protein. It affects a nucleotide within the consensus splice site.

Literature cited by the submitters: PubMed 17576681; PubMed 9536098.

NM_006231.4(POLE):c.63-5_63-3del

Gene: POLE (DNA polymerase epsilon, catalytic subunit; minus strand). Cytogenetic location: 12q24.33.
Variant type: Deletion.
Coding change: c.63-5_63-3del on transcript NM_006231.4 (MANE Select); 5 bases into the intron before coding-DNA position 63 through 3 bases into the intron before coding-DNA position 63, 3 bases deleted (CTC; older notation c.63-5_63-3delCTC).
Molecular consequence: intron variant.
Genome position (GRCh38, 1-based): chr12:132,681,282-132,681,284, GAG deleted on the plus strand (CTC on the coding strand, the reverse complement: POLE is on the minus strand). VCF-style (leftmost placement, unchanged base first): chr12-132681281-TGAG-T. GRCh37 (hg19) VCF-style: chr12-133257867-TGAG-T.
Identifiers: ClinVar variation 2861226 (VCV002861226.3), dbSNP rs2542198638, ClinGen allele CA2739277410.